The following is an entry in ClinVar:

NM_001658.4(ARF1):c.283A>C (p.Asn95His)

Genes: ARF1 (ARF GTPase 1; plus strand), LOC126806039 (CDK7 strongly-dependent group 2 enhancer GRCh37_chr1:228284937-228286136; plus strand). Cytogenetic location: 1q42.13.
Variant type: single nucleotide variant.
Coding change: c.283A>C on transcript NM_001658.4 (MANE Select); coding-DNA position 283, A replaced by C.
Protein change: p.Asn95His; replaces asparagine 95 with histidine.
Molecular consequence: missense variant.
Genome position (GRCh38, 1-based): chr1:228,097,614, A>C. VCF-style: chr1-228097614-A-C. GRCh37 (hg19) VCF-style: chr1-228285315-A-C.
Other names: c.283A>C, p.Asn95His (NM_001024226.2, NM_001024227.1, NM_001024228.2); short protein forms N95H.
Identifiers: ClinVar variation 2637647 (VCV002637647.1), dbSNP rs2464589074, ClinGen allele CA345078868.
Genomic context (GRCh38, chr1:228,097,614, plus strand): 5'-GTGTTCCCATGACCATTTGACACTGGCTGCCCGGCAGGCCTGATCTTCGTGGTGGACAGC[A>C]ATGACAGAGAGCGTGTGAACGAGGCCCGTGAGGAGCTCATGAGGATGCTGGCCGAGGACG-3'
Protein context (NP_001649.1, residues 85-105): TQGLIFVVDS[Asn95His]DRERVNEARE

ClinVar aggregate classification (germline): Uncertain significance (1 of 4 stars; one submission).

Submission:

Women's Health and Genetics/Laboratory Corporation of America, LabCorp
Classification: Uncertain significance. Last evaluated: 2023-10-10. Review status: criteria provided, single submitter. Criteria: LabCorp Variant Classification Summary - May 2015. Collection method: clinical testing. Allele origin: germline.
Comment: Variant summary: ARF1 c.283A>C (p.Asn95His) results in a conservative amino acid change located in the small GTP-binding protein domain (IPR005225) of the encoded protein sequence. Four of five in-silico tools predict a damaging effect of the variant on protein function. The variant was absent in 251384 control chromosomes. The available data on variant occurrences in the general population are insufficient to allow any conclusion about variant significance. To our knowledge, no occurrence of c.283A>C in individuals affected with Periventricular Nodular Heterotopia 8 and no experimental evidence demonstrating its impact on protein function have been reported. No submitters have cited clinical-significance assessments for this variant to ClinVar after 2014. Based on the evidence outlined above, the variant was classified as uncertain significance.